The following is an entry in ClinVar:

NM_024741.3(ZNF408):c.1052G>A (p.Arg351Gln)

Gene: ZNF408 (zinc finger protein 408; plus strand). Cytogenetic location: 11p11.2.
Variant type: single nucleotide variant.
Coding change: c.1052G>A on transcript NM_024741.3 (MANE Select); coding-DNA position 1052, G replaced by A.
Protein change: p.Arg351Gln; replaces arginine 351 with glutamine.
Molecular consequence: missense variant.
Genome position (GRCh38, 1-based): chr11:46,704,752, G>A. VCF-style: chr11-46704752-G-A. GRCh37 (hg19) VCF-style: chr11-46726302-G-A.
Other names: c.1028G>A, p.Arg343Gln (NM_001184751.2); short protein forms R343Q, R351Q.
Identifiers: ClinVar variation 1021103 (VCV001021103.9), dbSNP rs143952516, ClinGen allele CA221633161.

ClinVar aggregate classification (germline): Uncertain significance. Review status: criteria provided, multiple submitters, no conflicts (2 of 4 stars). 2 submissions from 2 submitters: Uncertain significance (2). Last evaluated 2022-07-12.

Allele frequency attached by ClinVar (database versions not stated): TOPMed 0.00002.
gnomAD v4.1: 7 of 1,595,842 alleles (0.00044%); highest among the groups gnomAD compares: Non-Finnish European, 0.0006%; no homozygotes.

Submissions (2):

Labcorp Genetics (formerly Invitae), Labcorp
Classification: Uncertain significance. Last evaluated: 2022-07-12. Review status: criteria provided, single submitter. Criteria: Invitae Variant Classification Sherloc (09022015). Collection method: clinical testing. Allele origin: germline.
Comment: This variant is not present in population databases (gnomAD no frequency). In summary, the available evidence is currently insufficient to determine the role of this variant in disease. Therefore, it has been classified as a Variant of Uncertain Significance. Algorithms developed to predict the effect of missense changes on protein structure and function (SIFT, PolyPhen-2, Align-GVGD) all suggest that this variant is likely to be disruptive. ClinVar contains an entry for this variant (Variation ID: 1021103). This variant has not been reported in the literature in individuals affected with ZNF408-related conditions. This sequence change replaces arginine, which is basic and polar, with glutamine, which is neutral and polar, at codon 351 of the ZNF408 protein (p.Arg351Gln).

Blueprint Genetics
Classification: Uncertain significance. Last evaluated: 2021-10-11. Review status: criteria provided, single submitter. Criteria: ACMG Guidelines, 2015. Collection method: clinical testing. Allele origin: germline.